The following is an entry in ClinVar:

NM_001204.7(BMPR2):c.2443A>G (p.Ser815Gly)

Gene: BMPR2 (bone morphogenetic protein receptor type 2; plus strand). Cytogenetic location: 2q33.2.
Variant type: single nucleotide variant.
Coding change: c.2443A>G on transcript NM_001204.7 (MANE Select); coding-DNA position 2443, A replaced by G.
Protein change: p.Ser815Gly; replaces serine 815 with glycine.
Molecular consequence: missense variant.
Genome position (GRCh38, 1-based): chr2:202,556,108, A>G. VCF-style: chr2-202556108-A-G. GRCh37 (hg19) VCF-style: chr2-203420831-A-G.
Other names: short protein forms S815G.
Identifiers: ClinVar variation 4214538 (VCV004214538.1).

ClinVar aggregate classification (germline): Uncertain significance (1 of 4 stars; one submission).

Conditions:
Inborn genetic diseases. Identifiers: MedGen C0950123, MeSH D030342.

Submission:

Ambry Genetics
Classification: Uncertain significance for Inborn genetic diseases. Last evaluated: 2025-08-25. Review status: criteria provided, single submitter. Criteria: Ambry Variant Classification Scheme 2023. Collection method: clinical testing. Allele origin: germline.
Comment: The p.S815G variant (also known as c.2443A>G), located in coding exon 12 of the BMPR2 gene, results from an A to G substitution at nucleotide position 2443. The serine at codon 815 is replaced by glycine, an amino acid with similar properties. This amino acid position is conserved. In addition, this alteration is predicted to be tolerated by in silico analysis. Based on the available evidence, the clinical significance of this variant remains unclear.